The following is an entry in ClinVar:

NM_000531.6(OTC):c.698C>T (p.Ala233Val)

Gene: OTC (ornithine transcarbamylase; plus strand). Cytogenetic location: Xp11.4.
Variant type: single nucleotide variant.
Coding change: c.698C>T on transcript NM_000531.6 (MANE Select); coding-DNA position 698, C replaced by T.
Protein change: p.Ala233Val; replaces alanine 233 with valine.
Molecular consequence: missense variant.
Genome position (GRCh38, 1-based): chrX:38,408,776, C>T. VCF-style: chrX-38408776-C-T. GRCh37 (hg19) VCF-style: chrX-38268029-C-T.
Other names: short protein forms A233V.
Identifiers: ClinVar variation 97293 (VCV000097293.5), dbSNP rs72558429, ClinGen allele CA224744.
Genomic context (GRCh38, chrX:38,408,776, plus strand): 5'-TAAGATTTAAATTCTTCCTCCTTTAGGGTTATGAGCCGGATGCTAGTGTAACCAAGTTGG[C>T]AGAGCAGTATGCCAAAGAGGTATGCTCTTTACATGTAAAGCTATTATTGCCTTTTACTGT-3'
Protein context (NP_000522.3, residues 223-243): YEPDASVTKL[Ala233Val]EQYAKENGTK

ClinVar aggregate classification (germline): Likely pathogenic. Review status: criteria provided, multiple submitters, no conflicts (2 of 4 stars). 4 submissions from 4 submitters: Likely pathogenic (3). 1 of the submissions does not count toward it. Last evaluated 2026-01-12.

Conditions:
Ornithine carbamoyltransferase deficiency (OTCD). Also called: ORNITHINE TRANSCARBAMYLASE DEFICIENCY, HYPERAMMONEMIA DUE TO; OTC DEFICIENCY; Ornithine Carbamoyltransferase Deficiency Disease; ORNITHINE TRANSCARBAMYLASE DEFICIENCY. Identifiers: Orphanet 664, MedGen C0268542, MONDO:0010703, OMIM 311250.
OTC-related disorder. Also called: OTC-related condition.

Submissions (4):

Institute of Human Genetics, University of Leipzig Medical Center
Classification: Likely pathogenic for Ornithine carbamoyltransferase deficiency. Last evaluated: 2026-01-12. Review status: criteria provided, single submitter. Criteria: ACMG Guidelines, 2015. Collection method: clinical testing. Allele origin: unknown. Inheritance: X-linked dominant inheritance. Affected: yes.
Comment: Criteria applied: PS4_MOD,PM2,PP3,PP4

Blueprint Genetics
Classification: Likely pathogenic for OTC-related disorders. Last evaluated: 2024-04-30. Review status: criteria provided, single submitter. Criteria: ACMG Guidelines, 2015. Collection method: clinical testing. Allele origin: germline. Affected: yes. Observed: 1 variant allele.

Baylor Genetics
Classification: Likely pathogenic for Ornithine carbamoyltransferase deficiency. Last evaluated: 2024-01-01. Review status: criteria provided, single submitter. Criteria: ACMG Guidelines, 2015. Collection method: clinical testing. Allele origin: unknown.

GenMed Metabolism Lab
Classification: Pathogenic. Review status: no assertion criteria provided. Collection method: not provided. Allele origin: unknown. Not counted in ClinVar's aggregate classification.
Comment: p.Ala233Val, Neonatal
ClinVar note: Converted during submission from pathogenic to Pathogenic.